The following is an entry in ClinVar:

ClinVar aggregate classification (germline): Uncertain significance (1 of 4 stars; one submission).

Submission:

Labcorp Genetics (formerly Invitae), Labcorp
Classification: Uncertain significance. Last evaluated: 2021-04-29. Review status: criteria provided, single submitter. Criteria: Invitae Variant Classification Sherloc (09022015). Collection method: clinical testing. Allele origin: germline.
Comment: This variant is not present in population databases (ExAC no frequency). This sequence change replaces valine with alanine at codon 298 of the PNPT1 protein (p.Val298Ala). The valine residue is highly conserved and there is a small physicochemical difference between valine and alanine. In summary, the available evidence is currently insufficient to determine the role of this variant in disease. Therefore, it has been classified as a Variant of Uncertain Significance. Advanced modeling of protein sequence and biophysical properties (such as structural, functional, and spatial information, amino acid conservation, physicochemical variation, residue mobility, and thermodynamic stability) performed at Invitae indicates that this missense variant is expected to disrupt PNPT1 protein function. This variant has not been reported in the literature in individuals with PNPT1-related conditions.

NM_033109.5(PNPT1):c.893T>C (p.Val298Ala)

Gene: PNPT1 (polyribonucleotide nucleotidyltransferase 1; minus strand). Cytogenetic location: 2p16.1.
Variant type: single nucleotide variant.
Coding change: c.893T>C on transcript NM_033109.5 (MANE Select); coding-DNA position 893, T replaced by C.
Protein change: p.Val298Ala; replaces valine 298 with alanine.
Molecular consequence: missense variant.
Genome position (GRCh38, 1-based): chr2:55,672,020, A>G on the plus strand (T>C on the coding strand, the complement: PNPT1 is on the minus strand). VCF-style: chr2-55672020-A-G. GRCh37 (hg19) VCF-style: chr2-55899155-A-G.
Other names: short protein forms V298A.
Identifiers: ClinVar variation 1350045 (VCV001350045.8), dbSNP rs1369831810, ClinGen allele CA346932237.